The following is an entry in ClinVar:

NM_001378452.1(ITPR1):c.3251C>T (p.Pro1084Leu)

Gene: ITPR1 (inositol 1,4,5-trisphosphate receptor type 1; plus strand). Cytogenetic location: 3p26.1.
Variant type: single nucleotide variant.
Coding change: c.3251C>T on transcript NM_001378452.1 (MANE Select); coding-DNA position 3251, C replaced by T.
Protein change: p.Pro1084Leu; replaces proline 1084 with leucine.
Molecular consequence: missense variant.
Genome position (GRCh38, 1-based): chr3:4,683,475, C>T. VCF-style: chr3-4683475-C-T. GRCh37 (hg19) VCF-style: chr3-4725159-C-T.
Other names: c.3224C>T, p.Pro1075Leu (NM_001099952.4); c.3206C>T, p.Pro1069Leu (NM_001168272.2); c.3179C>T, p.Pro1060Leu (NM_002222.7); short protein forms P1069L, P1075L, P1060L, P1084L.
Identifiers: ClinVar variation 517142 (VCV000517142.6), dbSNP rs1467772045, ClinGen allele CA351650688.

ClinVar aggregate classification (germline): Uncertain significance. Review status: criteria provided, multiple submitters, no conflicts (2 of 4 stars). 3 submissions from 3 submitters: Uncertain significance (3). Last evaluated 2023-06-04.

Conditions:
Spinocerebellar ataxia type 15/16 (SCA15). Also called: Spinocerebellar Ataxia Type 15. Identifiers: Orphanet 98769, MedGen C1847725, MONDO:0011694, OMIM 606658.

Allele frequency attached by ClinVar (database versions not stated): gnomAD 0.00002 and 0.00001; TOPMed 0.00002; gnomAD exomes below 0.00001 and 0.00001.
gnomAD v4.1: 7 of 1,613,944 alleles (0.00043%); highest among the groups gnomAD compares: African/African-American, 0.0067%; no homozygotes.

Submissions (3):

Labcorp Genetics (formerly Invitae), Labcorp
Classification: Uncertain significance. Last evaluated: 2023-06-04. Review status: criteria provided, single submitter. Criteria: Invitae Variant Classification Sherloc (09022015). Collection method: clinical testing. Allele origin: germline.
Comment: In summary, the available evidence is currently insufficient to determine the role of this variant in disease. Therefore, it has been classified as a Variant of Uncertain Significance. Advanced modeling of protein sequence and biophysical properties (such as structural, functional, and spatial information, amino acid conservation, physicochemical variation, residue mobility, and thermodynamic stability) performed at Invitae indicates that this missense variant is not expected to disrupt ITPR1 protein function. ClinVar contains an entry for this variant (Variation ID: 517142). This variant has not been reported in the literature in individuals affected with ITPR1-related conditions. This variant is present in population databases (no rsID available, gnomAD 0.01%). This sequence change replaces proline, which is neutral and non-polar, with leucine, which is neutral and non-polar, at codon 1060 of the ITPR1 protein (p.Pro1060Leu).

GeneDx
Classification: Uncertain significance. Last evaluated: 2019-03-14. Review status: criteria provided, single submitter. Criteria: GeneDx Variant Classification Process June 2021. Collection method: clinical testing. Allele origin: germline. Affected: yes.
Comment: Not observed at a significant frequency in large population cohorts (Lek et al., 2016); In silico analysis, which includes protein predictors and evolutionary conservation, supports a deleterious effect; Has not been previously published as pathogenic or benign to our knowledge

HudsonAlpha Institute for Biotechnology
Classification: Uncertain significance for Spinocerebellar ataxia type 15/16. Last evaluated: 2018-01-23. Review status: criteria provided, single submitter. Criteria: HA_AGHI_assertions_20171208. Collection method: research. Allele origin: unknown. Observed: 1 variant allele. Study: AGHI-WGS-HudsonAlpha.